The following is an entry in ClinVar:

NM_001042492.3(NF1):c.7867dup (p.Leu2623fs)

Gene: NF1 (neurofibromin 1; plus strand). Cytogenetic location: 17q11.2.
Variant type: Duplication.
Coding change: c.7867dup on transcript NM_001042492.3 (MANE Select); coding-DNA position 7867, one base duplicated (C; older notation c.7867dupC).
Protein change: p.Leu2623fs; shifts the reading frame from leucine 2623.
Molecular consequence: frameshift variant.
Genome position (GRCh38, 1-based): chr17:31,357,088, C duplicated. VCF-style (leftmost placement, unchanged base first): chr17-31357087-T-TC. GRCh37 (hg19) VCF-style: chr17-29684105-T-TC.
Other names: c.7804dup, p.Leu2602fs (NM_000267.4); c.7804dupC (NM_000267.3); short protein forms L2602fs, L2623fs.
Identifiers: ClinVar variation 4991181 (VCV004991181.1).

ClinVar aggregate classification (germline): Pathogenic (1 of 4 stars; one submission).

Conditions:
NF1-related disorder. Also called: NF1-related condition. Identifiers: MedGen CN379171.

Submission:

PreventionGenetics, part of Exact Sciences
Classification: Pathogenic for NF1-related condition. Last evaluated: 2026-07-07. Review status: criteria provided, single submitter. Criteria: ACMG Guidelines, 2015. Collection method: clinical testing. Allele origin: germline.
Comment: The NF1 c.7804dupC variant is predicted to result in a frameshift and premature protein termination (p.Leu2602Profs*11). This variant was reported in an individual with clinical features consistent with neurofibromatosis 1 (NF1) (Sabbagh et al. 2013. PubMed ID: 23913538). This variant has not been reported in a large population database (gnomAD), indicating it is rare and was not present in ClinVar at the time of reporting. Frameshift variants in NF1 are expected to be pathogenic. This variant is interpreted as pathogenic.